The following is an entry in ClinVar:

NM_001478.5(B4GALNT1):c.532-2A>G

Gene: B4GALNT1 (beta-1,4-N-acetyl-galactosaminyltransferase 1; minus strand). Cytogenetic location: 12q13.3.
Variant type: single nucleotide variant.
Coding change: c.532-2A>G on transcript NM_001478.5 (MANE Select); the canonical splice acceptor site of the intron before coding-DNA position 532, A replaced by G.
Molecular consequence: splice acceptor variant.
Genome position (GRCh38, 1-based): chr12:57,630,334, T>C on the plus strand (A>G on the coding strand, the complement: B4GALNT1 is on the minus strand). VCF-style: chr12-57630334-T-C. GRCh37 (hg19) VCF-style: chr12-58024117-T-C.
Other names: c.367-2A>G (NM_001413978.1, NM_001276468.2); c.-456-2A>G (NM_001413984.1, NM_001413982.1, NM_001413981.1 and 1 more transcripts); c.532-2A>G (NM_001413977.1, NM_001413970.1, NM_001413968.1 and 9 more transcripts).
Identifiers: ClinVar variation 839034 (VCV000839034.9), dbSNP rs1885117995, ClinGen allele CA385499982.
Genomic context (GRCh38, chr12:57,630,334, plus strand): 5'-GTAACTCCAGTCACTTCCCCTGCCACGTCCCAGGTGCCTAGGGAGGCAGTCAGGTTCACC[T>C]AGGAGGGGATTGGAGAGTGCAGGGTTAGGCCCCAGACCCACTTCTTGCCTCCCTGATTCG-3'

ClinVar aggregate classification (germline): Pathogenic/Likely pathogenic. Review status: criteria provided, multiple submitters, no conflicts (2 of 4 stars). 2 submissions from 2 submitters: Pathogenic (1); Likely pathogenic (1). Last evaluated 2022-06-04.

Conditions:
Spastic paraplegia. Identifiers: MedGen C0037772, HP:0001258.
Hereditary spastic paraplegia 26 (SPG26). Also called: SPASTIC PARAPLEGIA 26, AUTOSOMAL RECESSIVE. Identifiers: Orphanet 101006, MedGen C1836632, MONDO:0012213, OMIM 609195.

Submissions (2):

Labcorp Genetics (formerly Invitae), Labcorp
Classification: Likely pathogenic for Spastic paraplegia. Last evaluated: 2022-06-04. Review status: criteria provided, single submitter. Criteria: Invitae Variant Classification Sherloc (09022015). Collection method: clinical testing. Allele origin: germline.
Comment: In summary, the currently available evidence indicates that the variant is pathogenic, but additional data are needed to prove that conclusively. Therefore, this variant has been classified as Likely Pathogenic. Algorithms developed to predict the effect of sequence changes on RNA splicing suggest that this variant may disrupt the consensus splice site. ClinVar contains an entry for this variant (Variation ID: 839034). This variant has not been reported in the literature in individuals affected with B4GALNT1-related conditions. This variant is not present in population databases (gnomAD no frequency). This sequence change affects an acceptor splice site in intron 5 of the B4GALNT1 gene. It is expected to disrupt RNA splicing. Variants that disrupt the donor or acceptor splice site typically lead to a loss of protein function (PMID: 16199547), and loss-of-function variants in B4GALNT1 are known to be pathogenic (PMID: 23746551).

3billion
Classification: Pathogenic for Hereditary spastic paraplegia 26. Last evaluated: 2022-03-22. Review status: criteria provided, single submitter. Criteria: ACMG Guidelines, 2015. Collection method: clinical testing. Allele origin: germline. Affected: yes. Observed: 1 homozygote.
Comment: Canonical splice site: predicted to alter splicing and result in a loss or disruption of normal protein function through nonsense-mediated decay (NMD) or protein truncation. Multiple pathogenic variants are reported downstream of the variant. This variant has been reported as pathogenic (ClinVar ID: VCV000839034). It is not observed in the gnomAD v2.1.1 dataset. Therefore, this variant is classified as pathogenic according to the recommendation of ACMG/AMP guideline.

Literature cited by the submitters: PubMed 16199547 (cited by Labcorp Genetics (formerly Invitae), Labcorp); PubMed 23746551 (cited by Labcorp Genetics (formerly Invitae), Labcorp).